The following is an entry in ClinVar:

NM_006767.4(LZTR1):c.199C>A (p.Arg67=)

Gene: LZTR1 (leucine zipper like post translational regulator 1; plus strand). Cytogenetic location: 22q11.21.
Variant type: single nucleotide variant.
Coding change: c.199C>A on transcript NM_006767.4 (MANE Select); coding-DNA position 199, C replaced by A.
Protein change: p.Arg67=; no amino-acid change (arginine 67 retained).
Molecular consequence: synonymous variant.
Genome position (GRCh38, 1-based): chr22:20,982,570, C>A. VCF-style: chr22-20982570-C-A. GRCh37 (hg19) VCF-style: chr22-21336859-C-A.
Identifiers: ClinVar variation 2022453 (VCV002022453.4), dbSNP rs1270620798, ClinGen allele CA513488713.

ClinVar aggregate classification (germline): Uncertain significance (1 of 4 stars; one submission).

Submission:

Labcorp Genetics (formerly Invitae), Labcorp
Classification: Uncertain significance. Last evaluated: 2022-09-10. Review status: criteria provided, single submitter. Criteria: Invitae Variant Classification Sherloc (09022015). Collection method: clinical testing. Allele origin: germline.
Comment: In summary, the available evidence is currently insufficient to determine the role of this variant in disease. Therefore, it has been classified as a Variant of Uncertain Significance. Algorithms developed to predict the effect of sequence changes on RNA splicing suggest that this variant is not likely to affect RNA splicing. This variant has not been reported in the literature in individuals affected with LZTR1-related conditions. This variant is not present in population databases (gnomAD no frequency). This sequence change affects codon 67 of the LZTR1 mRNA. It is a 'silent' change, meaning that it does not change the encoded amino acid sequence of the LZTR1 protein. It affects a nucleotide within the consensus splice site.